The following is an entry in ClinVar:

ClinVar aggregate classification (germline): Pathogenic/Likely pathogenic. Review status: criteria provided, multiple submitters, no conflicts (2 of 4 stars). 2 submissions from 2 submitters: Pathogenic (1); Likely pathogenic (1). Last evaluated 2024-02-21.

Allele frequency attached by ClinVar (database versions not stated): gnomAD exomes below 0.00001; TOPMed below 0.00001.

Submissions (2):

GeneDx
Classification: Likely pathogenic. Last evaluated: 2024-02-21. Review status: criteria provided, single submitter. Criteria: GeneDx Variant Classification Process June 2021. Collection method: clinical testing. Allele origin: germline. Affected: yes.
Comment: Frameshift variant predicted to result in protein truncation or nonsense mediated decay in a gene for which loss-of-function is a known mechanism of disease; Not observed at significant frequency in large population cohorts (gnomAD); Has not been previously published as pathogenic or benign to our knowledge

Labcorp Genetics (formerly Invitae), Labcorp
Classification: Pathogenic. Last evaluated: 2021-12-02. Review status: criteria provided, single submitter. Criteria: Invitae Variant Classification Sherloc (09022015). Collection method: clinical testing. Allele origin: germline.
Comment: For these reasons, this variant has been classified as Pathogenic. This variant has not been reported in the literature in individuals affected with DPYS-related conditions. This variant is not present in population databases (gnomAD no frequency). This sequence change creates a premature translational stop signal (p.Ala34Aspfs*64) in the DPYS gene. It is expected to result in an absent or disrupted protein product. Loss-of-function variants in DPYS are known to be pathogenic (PMID: 20362666).

Literature cited by the submitters: PubMed 20362666 (cited by Labcorp Genetics (formerly Invitae), Labcorp).

NM_001385.3(DPYS):c.101del (p.Ala34fs)

Gene: DPYS (dihydropyrimidinase; minus strand). Cytogenetic location: 8q22.3.
Variant type: Deletion.
Coding change: c.101del on transcript NM_001385.3 (MANE Select); coding-DNA position 101, one base deleted (C; older notation c.101delC).
Protein change: p.Ala34fs; shifts the reading frame from alanine 34.
Molecular consequence: frameshift variant.
Genome position (GRCh38, 1-based): chr8:104,466,820, G deleted on the plus strand (C on the coding strand, the reverse complement: DPYS is on the minus strand). VCF-style (leftmost placement, unchanged base first): chr8-104466819-TG-T. GRCh37 (hg19) VCF-style: chr8-105479047-TG-T.
Other names: c.101del (NM_001385.2); short protein forms A34fs.
Identifiers: ClinVar variation 1364435 (VCV001364435.7), dbSNP rs1470151699, ClinGen allele CA844980198.